The following is an entry in ClinVar:

ClinVar aggregate classification (germline): Uncertain significance (1 of 4 stars; one submission).

Conditions:
Early Myoclonic Encephalopathy. Identifiers: MedGen C0270855.

Submission:

Labcorp Genetics (formerly Invitae), Labcorp
Classification: Uncertain significance for Early Myoclonic Encephalopathy. Last evaluated: 2024-01-03. Review status: criteria provided, single submitter. Criteria: Invitae Variant Classification Sherloc (09022015). Collection method: clinical testing. Allele origin: germline.
Comment: This sequence change replaces alanine, which is neutral and non-polar, with threonine, which is neutral and polar, at codon 360 of the KCND2 protein (p.Ala360Thr). This variant is not present in population databases (gnomAD no frequency). This variant has not been reported in the literature in individuals affected with KCND2-related conditions. Advanced modeling of protein sequence and biophysical properties (such as structural, functional, and spatial information, amino acid conservation, physicochemical variation, residue mobility, and thermodynamic stability) performed at Invitae indicates that this missense variant is not expected to disrupt KCND2 protein function with a negative predictive value of 80%. In summary, the available evidence is currently insufficient to determine the role of this variant in disease. Therefore, it has been classified as a Variant of Uncertain Significance.

NM_012281.3(KCND2):c.1078G>A (p.Ala360Thr)

Gene: KCND2 (potassium voltage-gated channel subfamily D member 2; plus strand). Cytogenetic location: 7q31.31.
Variant type: single nucleotide variant.
Coding change: c.1078G>A on transcript NM_012281.3 (MANE Select); coding-DNA position 1078, G replaced by A.
Protein change: p.Ala360Thr; replaces alanine 360 with threonine.
Molecular consequence: missense variant.
Genome position (GRCh38, 1-based): chr7:120,275,710, G>A. VCF-style: chr7-120275710-G-A. GRCh37 (hg19) VCF-style: chr7-119915764-G-A.
Other names: short protein forms A360T.
Identifiers: ClinVar variation 2760376 (VCV002760376.3), dbSNP rs2546907752, ClinGen allele CA369133036.
Genomic context (GRCh38, chr7:120,275,710, plus strand): 5'-ACAGTTATGTTCTACGCAGAGAAGGGGTCTTCGGCTAGCAAGTTCACCAGCATCCCTGCA[G>A]CCTTCTGGTATACCATCGTCACCATGACAACACTAGGGTAGGTGCCATAATGGGAAATGG-3'
Protein context (NP_036413.1, residues 350-370): SASKFTSIPA[Ala360Thr]FWYTIVTMTT